The following is an entry in ClinVar:

ClinVar aggregate classification (germline): Uncertain significance. Review status: criteria provided, multiple submitters, no conflicts (2 of 4 stars). 2 submissions from 2 submitters: Uncertain significance (2). Last evaluated 2025-09-09.

Conditions:
Hereditary cancer-predisposing syndrome. Also called: Hereditary neoplastic syndrome; Tumor predisposition; Neoplastic Syndromes, Hereditary; Hereditary Cancer Syndrome. Identifiers: Orphanet 140162, MedGen C0027672, MeSH D009386, MONDO:0015356.
Birt-Hogg-Dube syndrome. Also called: Birt Hogg Dubé syndrome. Identifiers: Orphanet 122, MedGen C0346010, MONDO:0800444.

Allele frequency attached by ClinVar (database versions not stated): gnomAD exomes below 0.00001.
gnomAD v4.1: 2 of 1,614,194 alleles (0.00012%); highest among the groups gnomAD compares: East Asian, 0.0022%; no homozygotes.

Submissions (2):

Labcorp Genetics (formerly Invitae), Labcorp
Classification: Uncertain significance for Birt-Hogg-Dube syndrome. Last evaluated: 2025-09-09. Review status: criteria provided, single submitter. Criteria: Invitae Variant Classification Sherloc (09022015). Collection method: clinical testing. Allele origin: germline.
Comment: This sequence change replaces alanine, which is neutral and non-polar, with valine, which is neutral and non-polar, at codon 252 of the FLCN protein (p.Ala252Val). This variant is not present in population databases (gnomAD no frequency). This variant has not been reported in the literature in individuals affected with FLCN-related conditions. ClinVar contains an entry for this variant (Variation ID: 963844). Invitae Evidence Modeling of protein sequence and biophysical properties (such as structural, functional, and spatial information, amino acid conservation, physicochemical variation, residue mobility, and thermodynamic stability) indicates that this missense variant is not expected to disrupt FLCN protein function with a negative predictive value of 80%. RNA analysis performed to evaluate the impact of this missense change on mRNA splicing indicates it does not significantly alter splicing (internal data). In summary, the available evidence is currently insufficient to determine the role of this variant in disease. Therefore, it has been classified as a Variant of Uncertain Significance.

Ambry Genetics
Classification: Uncertain significance for Hereditary cancer-predisposing syndrome. Last evaluated: 2025-01-29. Review status: criteria provided, single submitter. Criteria: Ambry Variant Classification Scheme 2023. Collection method: clinical testing. Allele origin: germline.
Comment: The p.A252V variant (also known as c.755C>T), located in coding exon 4 of the FLCN gene, results from a C to T substitution at nucleotide position 755. The alanine at codon 252 is replaced by valine, an amino acid with similar properties. This amino acid position is highly conserved in available vertebrate species. In addition, the in silico prediction for this alteration is inconclusive. Based on the available evidence, the clinical significance of this variant remains unclear.

NM_144997.7(FLCN):c.755C>T (p.Ala252Val)

Gene: FLCN (folliculin; minus strand). Cytogenetic location: 17p11.2.
Variant type: single nucleotide variant.
Coding change: c.755C>T on transcript NM_144997.7 (MANE Select); coding-DNA position 755, C replaced by T.
Protein change: p.Ala252Val; replaces alanine 252 with valine.
Molecular consequence: missense variant.
Genome position (GRCh38, 1-based): chr17:17,222,525, G>A on the plus strand (C>T on the coding strand, the complement: FLCN is on the minus strand). VCF-style: chr17-17222525-G-A. GRCh37 (hg19) VCF-style: chr17-17125839-G-A.
Other names: c.809C>T, p.Ala270Val (NM_001353229.2); c.755C>T, p.Ala252Val (NM_001353230.2, NM_001353231.2, NM_144606.7); short protein forms A252V, A270V.
Identifiers: ClinVar variation 963844 (VCV000963844.8), dbSNP rs2047123533, ClinGen allele CA398533862.